The following is an entry in ClinVar:

ClinVar aggregate classification (germline): Likely benign (1 of 4 stars; one submission).

gnomAD v4.1: 2 of 991,254 alleles (0.0002%); highest among the groups gnomAD compares: South Asian, 0.0023%; no homozygotes.

Submission:

CeGaT Center for Human Genetics Tuebingen
Classification: Likely benign. Last evaluated: 2026-07-01. Review status: criteria provided, single submitter. Criteria: CeGaT Center For Human Genetics Tuebingen Variant Classification Criteria Version 2. Collection method: clinical testing. Allele origin: germline. Affected: yes. Observed: 1 variant allele.
Comment: GRIK2: BP4

NM_021956.5(GRIK2):c.1525-6C>G

Gene: GRIK2 (glutamate ionotropic receptor kainate type subunit 2; plus strand). Cytogenetic location: 6q16.3.
Variant type: single nucleotide variant.
Coding change: c.1525-6C>G on transcript NM_021956.5 (MANE Select); 6 bases into the intron before coding-DNA position 1525, C replaced by G.
Molecular consequence: intron variant.
Genome position (GRCh38, 1-based): chr6:101,889,634, C>G. VCF-style: chr6-101889634-C-G. GRCh37 (hg19) VCF-style: chr6-102337509-C-G.
Other names: c.1525-6C>G (NM_175768.3, NM_001166247.1).
Identifiers: ClinVar variation 5041893 (VCV005041893.1).
Genomic context (GRCh38, chr6:101,889,634, plus strand): 5'-GAAAATCAATTTTTTCTCTCTTTCTTTCTTTCTTTTTTTTTTTTTTTTGTTTGTTTCTGT[C>G]TACAGAAAGCTGACCTTGCAGTTGCTCCACTGGCTATTACCTATGTTCGAGAGAAGGTCA-3'